The following is an entry in ClinVar:

NM_206926.2(SELENON):c.-26_12del (p.Met1fs)

Gene: SELENON (selenoprotein N; plus strand). Cytogenetic location: 1p36.11.
Variant type: Deletion.
Coding change: c.-26_12del on transcript NM_206926.2 (MANE Select); 26 bases upstream of the start codon through coding-DNA position 12, 38 bases deleted.
Protein change: p.Met1fs; shifts the reading frame from methionine 1.
Molecular consequence: frameshift variant, initiator codon variant.
Genome position (GRCh38, 1-based): chr1:25,800,205-25,800,242, 38 bases deleted; deleting any 38 consecutive bases within chr1:25,800,198-25,800,242 gives the same sequence; the c. name uses the placement nearest the transcript's 3' end. GRCh37 (hg19): chr1:26,126,696-26,126,733.
Other names: c.-26_12del, p.Met1fs (NM_020451.3); short protein forms M1fs.
Identifiers: ClinVar variation 844164 (VCV000844164.11), dbSNP rs2047846279, ClinGen allele CA916082009.

ClinVar aggregate classification (germline): Pathogenic (1 of 4 stars; one submission).

Conditions:
Eichsfeld type congenital muscular dystrophy (CMYO3). Also called: MYOPATHY, SEPN1-RELATED; SELENON-related myopathy; Congenital myopathy 3 with rigid spine; Rigid spine muscular dystrophy 1. Identifiers: MedGen C0410180, MONDO:0100100, OMIM 602771.

Submission:

Labcorp Genetics (formerly Invitae), Labcorp
Classification: Pathogenic for Eichsfeld type congenital muscular dystrophy. Last evaluated: 2022-07-06. Review status: criteria provided, single submitter. Criteria: Invitae Variant Classification Sherloc (09022015). Collection method: clinical testing. Allele origin: germline.
Comment: Disruption of the initiator codon has been observed in individuals with SELENON-related conditions (PMID: 12192640, 16779558). For these reasons, this variant has been classified as Pathogenic. ClinVar contains an entry for this variant (Variation ID: 844164). The frequency data for this variant in the population databases is considered unreliable, as metrics indicate insufficient coverage at this position in the gnomAD database. This sequence change affects the initiator methionine of the SELENON mRNA. The next in-frame methionine is located at codon 85.

Literature cited by the submitters: PubMed 12192640; PubMed 16779558.